The following is an entry in ClinVar:

ClinVar aggregate classification (germline): Pathogenic (1 of 4 stars; one submission).

Submission:

Labcorp Genetics (formerly Invitae), Labcorp
Classification: Pathogenic. Last evaluated: 2024-04-17. Review status: criteria provided, single submitter. Criteria: Invitae Variant Classification Sherloc (09022015). Collection method: clinical testing. Allele origin: germline.
Comment: This sequence change creates a premature translational stop signal (p.Arg889Profs*28) in the PRPF8 gene. It is expected to result in an absent or disrupted protein product. Loss-of-function variants in PRPF8 are known to be pathogenic (PMID: 27208204, 31054281, 33946315). This variant is not present in population databases (gnomAD no frequency). This variant has not been reported in the literature in individuals affected with PRPF8-related conditions. For these reasons, this variant has been classified as Pathogenic.

Literature cited by the submitters: PubMed 27208204; PubMed 31054281; PubMed 33946315.

NM_006445.4(PRPF8):c.2665_2668del (p.Arg889fs)

Gene: PRPF8 (pre-mRNA processing factor 8; minus strand). Cytogenetic location: 17p13.3.
Variant type: Microsatellite.
Coding change: c.2665_2668del on transcript NM_006445.4 (MANE Select); coding-DNA positions 2665 to 2668, 4 bases deleted (AGAG; older notation c.2665_2668delAGAG).
Protein change: p.Arg889fs; shifts the reading frame from arginine 889.
Molecular consequence: frameshift variant.
Genome position (GRCh38, 1-based): chr17:1,675,939-1,675,942, CTCT deleted on the plus strand (AGAG on the coding strand, the reverse complement: PRPF8 is on the minus strand); deleting any 4 consecutive bases within chr17:1,675,939-1,675,944 gives the same sequence; the c. name uses the placement nearest the transcript's 3' end. VCF-style (leftmost placement, unchanged base first): chr17-1675938-GCTCT-G. GRCh37 (hg19) VCF-style: chr17-1579232-GCTCT-G.
Other names: short protein forms R889fs.
Identifiers: ClinVar variation 1044357 (VCV001044357.5), dbSNP rs1912582692, ClinGen allele CA2242963812.